The following is an entry in ClinVar:

NM_001080449.3(DNA2):c.845T>C (p.Val282Ala)

Gene: DNA2 (DNA replication helicase/nuclease 2; minus strand). Cytogenetic location: 10q21.3.
Variant type: single nucleotide variant.
Coding change: c.845T>C on transcript NM_001080449.3 (MANE Select); coding-DNA position 845, T replaced by C.
Protein change: p.Val282Ala; replaces valine 282 with alanine.
Molecular consequence: missense variant. On other transcripts: non-coding transcript variant (1).
Genome position (GRCh38, 1-based): chr10:68,450,122, A>G on the plus strand (T>C on the coding strand, the complement: DNA2 is on the minus strand). VCF-style: chr10-68450122-A-G. GRCh37 (hg19) VCF-style: chr10-70209879-A-G.
Other names: c.845T>C (NM_001080449.2); short protein forms V282A.
Identifiers: ClinVar variation 2964817 (VCV002964817.4), dbSNP rs749245151, ClinGen allele CA208217603.

ClinVar aggregate classification (germline): Uncertain significance. Review status: criteria provided, multiple submitters, no conflicts (2 of 4 stars). 2 submissions from 2 submitters: Uncertain significance (2). Last evaluated 2025-06-02.

Conditions:
Inborn genetic diseases. Identifiers: MedGen C0950123, MeSH D030342.

Allele frequency attached by ClinVar (database versions not stated): gnomAD 0.00001; gnomAD exomes 0.00001; 1000 Genomes Project 30x 0.00016.
gnomAD v4.1: 19 of 1,606,462 alleles (0.0012%); highest among the groups gnomAD compares: South Asian, 0.0045%; no homozygotes.

Submissions (2):

Labcorp Genetics (formerly Invitae), Labcorp
Classification: Uncertain significance. Last evaluated: 2025-06-02. Review status: criteria provided, single submitter. Criteria: Invitae Variant Classification Sherloc (09022015). Collection method: clinical testing. Allele origin: germline.
Comment: This sequence change replaces valine, which is neutral and non-polar, with alanine, which is neutral and non-polar, at codon 282 of the DNA2 protein (p.Val282Ala). This variant is not present in population databases (gnomAD no frequency). This variant has not been reported in the literature in individuals affected with DNA2-related conditions. ClinVar contains an entry for this variant (Variation ID: 2964817). Invitae Evidence Modeling of protein sequence and biophysical properties (such as structural, functional, and spatial information, amino acid conservation, physicochemical variation, residue mobility, and thermodynamic stability) has been performed for this missense variant. However, the output from this modeling did not meet the statistical confidence thresholds required to predict the impact of this variant on DNA2 protein function. In summary, the available evidence is currently insufficient to determine the role of this variant in disease. Therefore, it has been classified as a Variant of Uncertain Significance.

Ambry Genetics
Classification: Uncertain significance for Inborn genetic diseases. Last evaluated: 2024-12-31. Review status: criteria provided, single submitter. Criteria: Ambry Variant Classification Scheme 2023. Collection method: clinical testing. Allele origin: germline.